The following is an entry in ClinVar:

NM_001378457.1(DMXL2):c.5294C>G (p.Ser1765Ter)

Gene: DMXL2 (Dmx like 2; minus strand). Cytogenetic location: 15q21.2.
Variant type: single nucleotide variant.
Coding change: c.5294C>G on transcript NM_001378457.1 (MANE Select); coding-DNA position 5294, C replaced by G.
Protein change: p.Ser1765Ter; replaces serine 1765 with a stop codon.
Molecular consequence: nonsense. On other transcripts: non-coding transcript variant (2).
Genome position (GRCh38, 1-based): chr15:51,486,261, G>C on the plus strand (C>G on the coding strand, the complement: DMXL2 is on the minus strand). VCF-style: chr15-51486261-G-C. GRCh37 (hg19) VCF-style: chr15-51778458-G-C.
Other names: c.5294C>G, p.Ser1765Ter (NM_001174116.3, NM_001378458.1, NM_001378459.1 and 4 more transcripts); c.3386C>G, p.Ser1129Ter (NM_001174117.3); c.3275C>G, p.Ser1092Ter (NM_001378460.1); c.5054C>G, p.Ser1685Ter (NM_001378464.1); short protein forms S1129*, S1092*, S1685*, S1765*.
Identifiers: ClinVar variation 3643536 (VCV003643536.2).
Genomic context (GRCh38, chr15:51,486,261, plus strand): 5'-CCTGAGCCATCCTTTTGGCAACCCAAAATCTTCTGATTTAGGATGGATATATAAGTGGAT[G>C]AAGTCTCAAATTCAGATTCATATAAACGGGCAATAACCATGGCTAGCTGAATATCTTCCA-3'

ClinVar aggregate classification (germline): Pathogenic (1 of 4 stars; one submission).

Submission:

Labcorp Genetics (formerly Invitae), Labcorp
Classification: Pathogenic. Last evaluated: 2024-10-24. Review status: criteria provided, single submitter. Criteria: Invitae Variant Classification Sherloc (09022015). Collection method: clinical testing. Allele origin: germline.
Comment: This sequence change creates a premature translational stop signal (p.Ser1765*) in the DMXL2 gene. It is expected to result in an absent or disrupted protein product. Loss-of-function variants in DMXL2 are known to be pathogenic (PMID: 30237576, 31688942). This variant is not present in population databases (gnomAD no frequency). This variant has not been reported in the literature in individuals affected with DMXL2-related conditions. For these reasons, this variant has been classified as Pathogenic.

Literature cited by the submitters: PubMed 30237576; PubMed 31688942.